The following is an entry in ClinVar:

ClinVar aggregate classification (germline): Uncertain significance (1 of 4 stars; one submission).

Conditions:
Emery-Dreifuss muscular dystrophy 4, autosomal dominant (EDMD4). Also called: EMERY-DREIFUSS MUSCULAR DYSTROPHY 4 WITH VARIABLE FEATURES. Identifiers: Orphanet 261, MedGen C2751807, MONDO:0013071, OMIM 612998.
Autosomal recessive ataxia, Beauce type. Also called: Spinocerebellar ataxia, autosomal recessive 8; ATAXIA, RECESSIVE, OF BEAUCE; SYNE1 Deficiency; SYNE1-Related Autosomal Recessive Cerebellar Ataxia. Identifiers: Orphanet 88644, MedGen C1853116, MONDO:0012549, OMIM 610743.

Submission:

Labcorp Genetics (formerly Invitae), Labcorp
Classification: Uncertain significance for Emery-Dreifuss muscular dystrophy 4, autosomal dominant; Autosomal recessive ataxia, Beauce type. Last evaluated: 2021-03-20. Review status: criteria provided, single submitter. Criteria: Invitae Variant Classification Sherloc (09022015). Collection method: clinical testing. Allele origin: germline.
Comment: In summary, the available evidence is currently insufficient to determine the role of this variant in disease. Therefore, it has been classified as a Variant of Uncertain Significance. Algorithms developed to predict the effect of missense changes on protein structure and function are either unavailable or do not agree on the potential impact of this missense change (SIFT: "Deleterious"; PolyPhen-2: "Benign"; Align-GVGD: "Class C0"). This variant has not been reported in the literature in individuals with SYNE1-related conditions. This variant is not present in population databases (ExAC no frequency). This sequence change replaces isoleucine with methionine at codon 3949 of the SYNE1 protein (p.Ile3949Met). The isoleucine residue is highly conserved and there is a small physicochemical difference between isoleucine and methionine.

NM_182961.4(SYNE1):c.12060C>G (p.Ile4020Met)

Gene: SYNE1 (spectrin repeat containing nuclear envelope protein 1; minus strand). Cytogenetic location: 6q25.2.
Variant type: single nucleotide variant.
Coding change: c.12060C>G on transcript NM_182961.4 (MANE Select); coding-DNA position 12060, C replaced by G.
Protein change: p.Ile4020Met; replaces isoleucine 4020 with methionine.
Molecular consequence: missense variant.
Genome position (GRCh38, 1-based): chr6:152,347,077, G>C on the plus strand (C>G on the coding strand, the complement: SYNE1 is on the minus strand). VCF-style: chr6-152347077-G-C. GRCh37 (hg19) VCF-style: chr6-152668212-G-C.
Other names: c.11847C>G, p.Ile3949Met (NM_033071.5); short protein forms I3949M, I4020M.
Identifiers: ClinVar variation 1437687 (VCV001437687.8), dbSNP rs2096650506, ClinGen allele CA366114012.